The following is an entry in ClinVar:

ClinVar aggregate classification (germline): Likely benign (0 of 4 stars; one submission).

Conditions:
CASZ1-related disorder. Also called: CASZ1-related condition.

Allele frequency attached by ClinVar (database versions not stated): TOPMed below 0.00001.

Submission:

PreventionGenetics, part of Exact Sciences
Classification: Likely benign for CASZ1-related condition. Last evaluated: 2020-09-22. Review status: no assertion criteria provided. Collection method: clinical testing. Allele origin: germline.
Comment: This variant is classified as likely benign based on ACMG/AMP sequence variant interpretation guidelines (Richards et al. 2015 PMID: 25741868, with internal and published modifications).

NM_001079843.3(CASZ1):c.2646A>C (p.Ala882=)

Gene: CASZ1 (castor zinc finger 1; minus strand). Cytogenetic location: 1p36.22.
Variant type: single nucleotide variant.
Coding change: c.2646A>C on transcript NM_001079843.3 (MANE Select); coding-DNA position 2646, A replaced by C.
Protein change: p.Ala882=; no amino-acid change (alanine 882 retained).
Molecular consequence: synonymous variant.
Genome position (GRCh38, 1-based): chr1:10,653,411, T>G on the plus strand (A>C on the coding strand, the complement: CASZ1 is on the minus strand). VCF-style: chr1-10653411-T-G. GRCh37 (hg19) VCF-style: chr1-10713468-T-G.
Other names: c.2646A>C, p.Ala882= (NM_017766.5).
Identifiers: ClinVar variation 3032227 (VCV003032227.2), dbSNP rs1396469145, ClinGen allele CA416038981.